The following is an entry in ClinVar:

ClinVar aggregate classification (germline): Uncertain significance (1 of 4 stars; one submission).

Conditions:
Developmental and epileptic encephalopathy, 42 (DEE42A). Also called: DEVELOPMENTAL AND EPILEPTIC ENCEPHALOPATHY 42A; EPILEPTIC ENCEPHALOPATHY, EARLY INFANTILE, 42A; Epileptic encephalopathy, early infantile, 42. Identifiers: MedGen C4310716, MONDO:0014917, OMIM 617106.

gnomAD v4.1: 11 of 1,551,246 alleles (0.00071%); highest among the groups gnomAD compares: South Asian, 0.0024%; no homozygotes.

Submission:

Laboratorio de Genetica e Diagnostico Molecular, Hospital Israelita Albert Einstein
Classification: Uncertain significance for Developmental and epileptic encephalopathy, 42. Last evaluated: 2022-08-19. Review status: criteria provided, single submitter. Criteria: ACMG Guidelines, 2015. Collection method: clinical testing. Allele origin: germline. Affected: yes. Observed: 1 variant allele.
Comment: ACMG classification criteria: PM2 moderated, PP2 supporting, PP3 supporting

NM_001127222.2(CACNA1A):c.5534G>A (p.Arg1845His)

Gene: CACNA1A (calcium voltage-gated channel subunit alpha1 A; minus strand). Cytogenetic location: 19p13.13.
Variant type: single nucleotide variant.
Coding change: c.5534G>A on transcript NM_001127222.2 (MANE Select); coding-DNA position 5534, G replaced by A.
Protein change: p.Arg1845His; replaces arginine 1845 with histidine.
Molecular consequence: missense variant. On other transcripts: intron variant (1).
Genome position (GRCh38, 1-based): chr19:13,227,522, C>T on the plus strand (G>A on the coding strand, the complement: CACNA1A is on the minus strand). VCF-style: chr19-13227522-C-T. GRCh37 (hg19) VCF-style: chr19-13338336-C-T.
Other names: c.5552G>A, p.Arg1851His (NM_000068.4, NM_023035.3); c.5543G>A, p.Arg1848His (NM_001174080.2); c.5628+1177G>A (NM_001127221.2); short protein forms R1845H, R1848H, R1851H.
Identifiers: ClinVar variation 2431920 (VCV002431920.1), dbSNP rs2512603286, ClinGen allele CA404331370.